The following is an entry in ClinVar:

ClinVar aggregate classification (germline): Uncertain significance (1 of 4 stars; one submission).

Conditions:
Mucopolysaccharidosis type 1. Also called: Mucopolysaccharidosis Type I; IDUA deficiency; MPS I. Identifiers: Orphanet 579, MedGen C0023786, MONDO:0001586.

Submission:

Labcorp Genetics (formerly Invitae), Labcorp
Classification: Uncertain significance for Mucopolysaccharidosis type 1. Last evaluated: 2021-01-09. Review status: criteria provided, single submitter. Criteria: Invitae Variant Classification Sherloc (09022015). Collection method: clinical testing. Allele origin: germline.
Comment: In summary, the available evidence is currently insufficient to determine the role of this variant in disease. Therefore, it has been classified as a Variant of Uncertain Significance. Nucleotide substitutions within the consensus splice site are a relatively common cause of aberrant splicing (PMID: 17576681, 9536098). Algorithms developed to predict the effect of sequence changes on RNA splicing suggest that this variant may disrupt the consensus splice site, but this prediction has not been confirmed by published transcriptional studies. Algorithms developed to predict the effect of missense changes on protein structure and function (SIFT, PolyPhen-2, Align-GVGD) all suggest that this variant is likely to be tolerated, but these predictions have not been confirmed by published functional studies and their clinical significance is uncertain. This variant has not been reported in the literature in individuals with IDUA-related conditions. This variant is not present in population databases (ExAC no frequency). This sequence change replaces glycine with arginine at codon 165 of the IDUA protein (p.Gly165Arg). The glycine residue is weakly conserved and there is a moderate physicochemical difference between glycine and arginine. This variant also falls at the last nucleotide of exon 4, which is part of the consensus splice site for this exon.

Literature cited by the submitters: PubMed 17576681; PubMed 9536098.

NM_000203.5(IDUA):c.493G>C (p.Gly165Arg)

Gene: IDUA (alpha-L-iduronidase; plus strand). Cytogenetic location: 4p16.3.
Variant type: single nucleotide variant.
Coding change: c.493G>C on transcript NM_000203.5 (MANE Select); coding-DNA position 493, G replaced by C.
Protein change: p.Gly165Arg; replaces glycine 165 with arginine.
Molecular consequence: missense variant. On other transcripts: non-coding transcript variant (1).
Genome position (GRCh38, 1-based): chr4:1,000,989, G>C. VCF-style: chr4-1000989-G-C. GRCh37 (hg19) VCF-style: chr4-994777-G-C.
Other names: c.97G>C, p.Gly33Arg (NM_001363576.1); short protein forms G165R, G33R.
Identifiers: ClinVar variation 1435327 (VCV001435327.8), dbSNP rs748326989, ClinGen allele CA355961623.